The following is an entry in ClinVar:

ClinVar aggregate classification (germline): Conflicting classifications of pathogenicity. Review status: criteria provided, conflicting classifications (1 of 4 stars). 4 submissions from 4 submitters: Uncertain significance (2); Likely benign (2). Last evaluated 2026-09-21.

Conditions:
PCNT-related disorder. Also called: PCNT-related condition.

Allele frequency attached by ClinVar (database versions not stated): gnomAD exomes 0.00012; ExAC 0.00013; gnomAD 0.00020 and 0.00022; TOPMed 0.00029; 1000 Genomes Project 30x 0.00031; 1000 Genomes Project 0.00040; ESP Exome Variant Server 0.00040.
gnomAD v4.1: 220 of 1,610,622 alleles (0.014%); highest among the groups gnomAD compares: African/African-American, 0.11%; no homozygotes.

Submissions (4):

PreventionGenetics, part of Exact Sciences
Classification: Uncertain significance for PCNT-related condition. Last evaluated: 2026-09-21. Review status: criteria provided, single submitter. Criteria: ACMG Guidelines, 2015. Collection method: clinical testing. Allele origin: germline.
Comment: The PCNT c.5680G>A variant is predicted to result in the amino acid substitution p.Val1894Ile. To our knowledge, this variant has not been reported in the literature. This variant is reported in 0.083% of alleles in individuals of African descent in gnomAD, which is likely too frequent for an unreported disease-associated variant. Although we suspect that this variant may be benign, at this time, the clinical significance of this variant is uncertain due to the absence of conclusive functional and genetic evidence.

Labcorp Genetics (formerly Invitae), Labcorp
Classification: Uncertain significance. Last evaluated: 2026-01-12. Review status: criteria provided, single submitter. Criteria: Invitae Variant Classification Sherloc (09022015). Collection method: clinical testing. Allele origin: germline.
Comment: This sequence change replaces valine, which is neutral and non-polar, with isoleucine, which is neutral and non-polar, at codon 1894 of the PCNT protein (p.Val1894Ile). This variant is present in population databases (rs113208348, gnomAD 0.08%). This variant has not been reported in the literature in individuals affected with PCNT-related conditions. ClinVar contains an entry for this variant (Variation ID: 436202). An algorithm developed to predict the effect of missense changes on protein structure and function outputs the following: PolyPhen-2: "Benign". The isoleucine amino acid residue is found in multiple mammalian species, which suggests that this missense change does not adversely affect protein function. In summary, the available evidence is currently insufficient to determine the role of this variant in disease. Therefore, it has been classified as a Variant of Uncertain Significance.

CeGaT Center for Human Genetics Tuebingen
Classification: Likely benign. Last evaluated: 2023-10-01. Review status: criteria provided, single submitter. Criteria: CeGaT Center For Human Genetics Tuebingen Variant Classification Criteria Version 2. Collection method: clinical testing. Allele origin: germline. Affected: yes. Observed: 1 variant allele.
Comment: PCNT: BP4

Genetic Services Laboratory, University of Chicago
Classification: Likely benign. Last evaluated: 2016-04-25. Review status: criteria provided, single submitter. Criteria: ACMG Guidelines, 2015. Collection method: clinical testing. Allele origin: germline. Affected: no.

NM_006031.6(PCNT):c.5680G>A (p.Val1894Ile)

Gene: PCNT (pericentrin; plus strand). Cytogenetic location: 21q22.3.
Variant type: single nucleotide variant.
Coding change: c.5680G>A on transcript NM_006031.6 (MANE Select); coding-DNA position 5680, G replaced by A.
Protein change: p.Val1894Ile; replaces valine 1894 with isoleucine.
Molecular consequence: missense variant.
Genome position (GRCh38, 1-based): chr21:46,411,753, G>A. VCF-style: chr21-46411753-G-A. GRCh37 (hg19) VCF-style: chr21-47831667-G-A.
Other names: c.5326G>A, p.Val1776Ile (NM_001315529.2); short protein forms V1894I, V1776I.
Identifiers: ClinVar variation 436202 (VCV000436202.36), dbSNP rs113208348, ClinGen allele CA10080059.